The following is an entry in ClinVar:

ClinVar aggregate classification (germline): Uncertain significance. Review status: criteria provided, multiple submitters, no conflicts (2 of 4 stars). 2 submissions from 2 submitters: Uncertain significance (2). Last evaluated 2025-02-16.

Allele frequency attached by ClinVar (database versions not stated): gnomAD exomes below 0.00001; ExAC 0.00001; gnomAD 0.00001.
gnomAD v4.1: 4 of 1,614,118 alleles (0.00025%); highest among the groups gnomAD compares: Non-Finnish European, 0.00034%; no homozygotes.

Submissions (2):

Laboratory of Genetics, Children's Clinical University Hospital Latvia
Classification: Uncertain significance. Last evaluated: 2025-02-16. Review status: criteria provided, single submitter. Criteria: ACMG Guidelines, 2015. Collection method: clinical testing. Allele origin: germline. Affected: yes.

Labcorp Genetics (formerly Invitae), Labcorp
Classification: Uncertain significance. Last evaluated: 2024-03-16. Review status: criteria provided, single submitter. Criteria: Invitae Variant Classification Sherloc (09022015). Collection method: clinical testing. Allele origin: germline.
Comment: This sequence change replaces isoleucine, which is neutral and non-polar, with threonine, which is neutral and polar, at codon 161 of the SEC61A1 protein (p.Ile161Thr). This variant is present in population databases (rs766875239, gnomAD 0.002%). This variant has not been reported in the literature in individuals affected with SEC61A1-related conditions. ClinVar contains an entry for this variant (Variation ID: 1396125). Advanced modeling of protein sequence and biophysical properties (such as structural, functional, and spatial information, amino acid conservation, physicochemical variation, residue mobility, and thermodynamic stability) has been performed at Invitae for this missense variant, however the output from this modeling did not meet the statistical confidence thresholds required to predict the impact of this variant on SEC61A1 protein function. In summary, the available evidence is currently insufficient to determine the role of this variant in disease. Therefore, it has been classified as a Variant of Uncertain Significance.

NM_013336.4(SEC61A1):c.482T>C (p.Ile161Thr)

Gene: SEC61A1 (SEC61 translocon subunit alpha 1; plus strand). Cytogenetic location: 3q21.3.
Variant type: single nucleotide variant.
Coding change: c.482T>C on transcript NM_013336.4 (MANE Select); coding-DNA position 482, T replaced by C.
Protein change: p.Ile161Thr; replaces isoleucine 161 with threonine.
Molecular consequence: missense variant.
Genome position (GRCh38, 1-based): chr3:128,060,527, T>C. VCF-style: chr3-128060527-T-C. GRCh37 (hg19) VCF-style: chr3-127779370-T-C.
Other names: short protein forms I161T.
Identifiers: ClinVar variation 1396125 (VCV001396125.7), dbSNP rs766875239, ClinGen allele CA2598418.
Genomic context (GRCh38, chr3:128,060,527, plus strand): 5'-GGAGCAGTAACACATAGTCTTGTATTTTTGAATTTTTACAGCTCTTTGTTGCTGGCTTAA[T>C]TGTCCTACTTTTGGATGAACTCCTGCAAAAAGGATATGGCCTTGGCTCTGGTATTTCTCT-3'
Protein context (NP_037468.1, residues 151-171): ITIQLFVAGL[Ile161Thr]VLLLDELLQK